The following is an entry in ClinVar:

ClinVar aggregate classification (germline): Uncertain significance. Review status: criteria provided, multiple submitters, no conflicts (2 of 4 stars). 2 submissions from 2 submitters: Uncertain significance (2). Last evaluated 2025-08-20.

Conditions:
Monocytopenia with susceptibility to infections. Also called: MONOCYTOPENIA AND MYCOBACTERIAL INFECTION SYNDROME; MONOCYTOPENIA WITH SUSCEPTIBILITY TO MYCOBACTERIAL, FUNGAL, AND PAPILLOMAVIRUS INFECTIONS AND MYELODYSPLASIA; COMBINED IMMUNODEFICIENCY WITH SUSCEPTIBILITY TO MYCOBACTERIAL, VIRAL, AND FUNGAL INFECTIONS; Dendritic cell, monocyte, B lymphocyte, and natural killer lymphocyte deficiency; IMMUNODEFICIENCY 21; GATA2 DEFICIENCY. Identifiers: Orphanet 228423, MedGen C3280030, MONDO:0013607, OMIM 614172.
Deafness-lymphedema-leukemia syndrome. Also called: Lymphedema, primary, with myelodysplasia; Emberger syndrome. Identifiers: Orphanet 3226, MedGen C3279664, MONDO:0013540, OMIM 614038.
Inborn genetic diseases. Identifiers: MedGen C0950123, MeSH D030342.

Allele frequency attached by ClinVar (database versions not stated): gnomAD exomes below 0.00001.
gnomAD v4.1: 1 of 1,614,188 alleles (0.000062%); highest among the groups gnomAD compares: Admixed American, 0.0017%; no homozygotes.

Submissions (2):

Ambry Genetics
Classification: Uncertain significance for Inborn genetic diseases. Last evaluated: 2025-08-20. Review status: criteria provided, single submitter. Criteria: Ambry Variant Classification Scheme 2023. Collection method: clinical testing. Allele origin: germline.
Comment: The p.S216L variant (also known as c.647C>T), located in coding exon 2 of the GATA2 gene, results from a C to T substitution at nucleotide position 647. The serine at codon 216 is replaced by leucine, an amino acid with dissimilar properties. This amino acid position is conserved. In addition, the in silico prediction for this alteration is inconclusive. Based on the available evidence, the clinical significance of this variant remains unclear.

Labcorp Genetics (formerly Invitae), Labcorp
Classification: Uncertain significance for Monocytopenia with susceptibility to infections; Deafness-lymphedema-leukemia syndrome. Last evaluated: 2023-09-09. Review status: criteria provided, single submitter. Criteria: Invitae Variant Classification Sherloc (09022015). Collection method: clinical testing. Allele origin: germline.
Comment: In summary, the available evidence is currently insufficient to determine the role of this variant in disease. Therefore, it has been classified as a Variant of Uncertain Significance. Advanced modeling of protein sequence and biophysical properties (such as structural, functional, and spatial information, amino acid conservation, physicochemical variation, residue mobility, and thermodynamic stability) performed at Invitae indicates that this missense variant is not expected to disrupt GATA2 protein function. This variant has not been reported in the literature in individuals affected with GATA2-related conditions. This variant is not present in population databases (gnomAD no frequency). This sequence change replaces serine, which is neutral and polar, with leucine, which is neutral and non-polar, at codon 216 of the GATA2 protein (p.Ser216Leu).

NM_032638.5(GATA2):c.647C>T (p.Ser216Leu)

Gene: GATA2 (GATA binding protein 2; minus strand). Cytogenetic location: 3q21.3.
Variant type: single nucleotide variant.
Coding change: c.647C>T on transcript NM_032638.5 (MANE Select); coding-DNA position 647, C replaced by T.
Protein change: p.Ser216Leu; replaces serine 216 with leucine.
Molecular consequence: missense variant.
Genome position (GRCh38, 1-based): chr3:128,485,951, G>A on the plus strand (C>T on the coding strand, the complement: GATA2 is on the minus strand). VCF-style: chr3-128485951-G-A. GRCh37 (hg19) VCF-style: chr3-128204794-G-A.
Other names: c.647C>T, p.Ser216Leu (NM_001145661.2, NM_001145662.1); short protein forms S216L.
Identifiers: ClinVar variation 2951770 (VCV002951770.4), dbSNP rs2472930530, ClinGen allele CA354406337.